The following is an entry in ClinVar:

ClinVar aggregate classification (germline): Likely benign (1 of 4 stars; one submission).

Allele frequency attached by ClinVar (database versions not stated): gnomAD 0.00025; ExAC 0.00036; 1000 Genomes Project 30x 0.00062.

Submission:

CeGaT Center for Human Genetics Tuebingen
Classification: Likely benign. Last evaluated: 2023-04-01. Review status: criteria provided, single submitter. Criteria: CeGaT Center For Human Genetics Tuebingen Variant Classification Criteria Version 2. Collection method: clinical testing. Allele origin: germline. Affected: yes. Observed: 1 variant allele.
Comment: MAGEC1: BP4, BS2

NM_005462.5(MAGEC1):c.1220C>T (p.Pro407Leu)

Gene: MAGEC1 (MAGE family member C1; plus strand). Cytogenetic location: Xq27.2.
Variant type: single nucleotide variant.
Coding change: c.1220C>T on transcript NM_005462.5 (MANE Select); coding-DNA position 1220, C replaced by T.
Protein change: p.Pro407Leu; replaces proline 407 with leucine.
Molecular consequence: missense variant.
Genome position (GRCh38, 1-based): chrX:141,906,624, C>T. VCF-style: chrX-141906624-C-T. GRCh37 (hg19) VCF-style: chrX-140994410-C-T.
Other names: short protein forms P407L.
Identifiers: ClinVar variation 2661568 (VCV002661568.24), dbSNP rs60282368, ClinGen allele CA10533587.
Genomic context (GRCh38, chrX:141,906,624, plus strand): 5'-GTCTTTTCCAGAGTTCCCCTGAGAGAACTCACAGTACTTTTGAGGGTTTTCCCCAGTCTC[C>T]TCTCCAGATTCCTATGACCTCCTCCTTCTCCTCTACTTTATTGAGTATTTTACAGAGTTC-3'
Protein context (NP_005453.2, residues 397-417): HSTFEGFPQS[Pro407Leu]LQIPMTSSFS